The following is an entry in ClinVar:

NM_001042413.2(GLIS3):c.*1562A>C

Gene: GLIS3 (GLIS family zinc finger 3; minus strand). Cytogenetic location: 9p24.2.
Variant type: single nucleotide variant.
Coding change: c.*1562A>C on transcript NM_001042413.2 (MANE Select); 1562 bases downstream of the stop codon, A replaced by C.
Molecular consequence: 3 prime UTR variant.
Genome position (GRCh38, 1-based): chr9:3,826,710, T>G on the plus strand (A>C on the coding strand, the complement: GLIS3 is on the minus strand). VCF-style: chr9-3826710-T-G. GRCh37 (hg19) VCF-style: chr9-3826710-T-G.
Other names: c.*1562A>C (NM_152629.4).
Identifiers: ClinVar variation 366935 (VCV000366935.6), dbSNP rs12376878, ClinGen allele CA10633741.

ClinVar aggregate classification (germline): Benign. Review status: criteria provided, multiple submitters, no conflicts (2 of 4 stars). 2 submissions from 2 submitters: Benign (2). Last evaluated 2018-01-12.

Conditions:
Neonatal diabetes mellitus with congenital hypothyroidism. Also called: NDH SYNDROME. Identifiers: Orphanet 79118, MedGen C1857775, MONDO:0012436, OMIM 610199.

Allele frequency attached by ClinVar (database versions not stated): 1000 Genomes Project 0.34365; TOPMed 0.36776; gnomAD 0.37865 and 0.38260.

Submissions (2):

Illumina Laboratory Services, Illumina
Classification: Benign for Neonatal diabetes mellitus with congenital hypothyroidism. Last evaluated: 2018-01-12. Review status: criteria provided, single submitter. Criteria: ICSL Variant Classification Criteria 13 December 2019. Collection method: clinical testing. Allele origin: germline.
Comment: This variant was observed in the ICSL laboratory as part of a predisposition screen in an ostensibly healthy population. It had not been previously curated by ICSL or reported in the Human Gene Mutation Database (HGMD: prior to June 1st, 2018), and was therefore a candidate for classification through an automated scoring system. Utilizing variant allele frequency, disease prevalence and penetrance estimates, and inheritance mode, an automated score was calculated to assess if this variant is too frequent to cause the disease. Based on the score and internal cut-off values, a variant classified as benign is not then subjected to further curation. The score for this variant resulted in a classification of benign for this disease.

Breakthrough Genomics
Classification: Benign. Review status: criteria provided, single submitter. Criteria: ACMG Guidelines, 2015. Collection method: not provided. Allele origin: germline. Inheritance: Autosomal recessive inheritance. Affected: yes.